The following is an entry in ClinVar:

ClinVar aggregate classification (germline): Uncertain significance. Review status: criteria provided, multiple submitters, no conflicts (2 of 4 stars). 2 submissions from 2 submitters: Uncertain significance (2). Last evaluated 2024-04-25.

Conditions:
Dilated cardiomyopathy 1G (CMD1G). Identifiers: Orphanet 154, MedGen C1858763, MONDO:0011400, OMIM 604145.
Autosomal recessive limb-girdle muscular dystrophy type 2J (LGMDR10). Also called: MUSCULAR DYSTROPHY, LIMB-GIRDLE, AUTOSOMAL RECESSIVE 10; Limb-girdle muscular dystrophy, type 2J. Identifiers: Orphanet 140922, MedGen C1837342, MONDO:0012127, OMIM 608807.

Allele frequency attached by ClinVar (database versions not stated): ExAC 0.00001; gnomAD 0.00001; gnomAD exomes 0.00001; TOPMed 0.00001.
gnomAD v4.1: 5 of 1,613,868 alleles (0.00031%); highest among the groups gnomAD compares: Non-Finnish European, 0.00042%; no homozygotes.

Submissions (2):

Labcorp Genetics (formerly Invitae), Labcorp
Classification: Uncertain significance for Dilated cardiomyopathy 1G; Autosomal recessive limb-girdle muscular dystrophy type 2J. Last evaluated: 2024-04-25. Review status: criteria provided, single submitter. Criteria: Invitae Variant Classification Sherloc (09022015). Collection method: clinical testing. Allele origin: germline.
Comment: This sequence change replaces valine, which is neutral and non-polar, with alanine, which is neutral and non-polar, at codon 34125 of the TTN protein (p.Val34125Ala). This variant is present in population databases (rs762110611, gnomAD 0.0009%). This variant has not been reported in the literature in individuals affected with TTN-related conditions. Experimental studies and prediction algorithms are not available or were not evaluated, and the functional significance of this variant is currently unknown. This variant is located in the M band of TTN (PMID: 25589632). Non-truncating variants in this region may be relevant for neuromuscular disorders, but have not been definitively shown to cause cardiomyopathy (PMID: 23975875). In summary, the available evidence is currently insufficient to determine the role of this variant in disease. Therefore, it has been classified as a Variant of Uncertain Significance.

Revvity Omics, Revvity
Classification: Uncertain significance. Last evaluated: 2023-08-17. Review status: criteria provided, single submitter. Criteria: ACMG Guidelines, 2015. Collection method: clinical testing. Allele origin: germline.

Literature cited by the submitters: PubMed 25589632 (cited by Labcorp Genetics (formerly Invitae), Labcorp); PubMed 23975875 (cited by Labcorp Genetics (formerly Invitae), Labcorp).

NM_001267550.2(TTN):c.102374T>C (p.Val34125Ala)

Genes: TTN (titin; minus strand), TTN-AS1 (TTN antisense RNA 1; plus strand). Cytogenetic location: 2q31.2.
Variant type: single nucleotide variant.
Coding change: c.102374T>C on transcript NM_001267550.2 (MANE Select); coding-DNA position 102374, T replaced by C.
Protein change: p.Val34125Ala; replaces valine 34125 with alanine.
Molecular consequence: missense variant.
Genome position (GRCh38, 1-based): chr2:178,534,241, A>G on the plus strand (T>C on the coding strand, the complement: TTN is on the minus strand). VCF-style: chr2-178534241-A-G. GRCh37 (hg19) VCF-style: chr2-179398968-A-G.
Other names: c.97451T>C, p.Val32484Ala (NM_001256850.1); c.75179T>C, p.Val25060Ala (NM_003319.4); c.94670T>C, p.Val31557Ala (NM_133378.4); c.75554T>C, p.Val25185Ala (NM_133432.3); c.75755T>C, p.Val25252Ala (NM_133437.4); short protein forms V31557A, V34125A, V25060A, V32484A, V25185A, V25252A.
Identifiers: ClinVar variation 2928431 (VCV002928431.4), dbSNP rs762110611, ClinGen allele CA1985761.